The following is an entry in ClinVar:

ClinVar aggregate classification (germline): Uncertain significance. Review status: criteria provided, multiple submitters, no conflicts (2 of 4 stars). 3 submissions from 3 submitters: Uncertain significance (3). Last evaluated 2022-06-25.

Conditions:
Inborn genetic diseases. Identifiers: MedGen C0950123, MeSH D030342.
Congenital myasthenic syndrome 9. Also called: Myasthenic syndrome, congenital, 9, associated with acetylcholine receptor deficiency. Identifiers: Orphanet 590, MedGen C4225368, MONDO:0014587, OMIM 616325.
Fetal akinesia deformation sequence 1 (FADS1). Also called: Fetal akinesia sequence; Pena-Shokeir syndrome type I. Identifiers: Orphanet 994, MedGen C1276035, MONDO:0100101, OMIM 208150, HP:0001989.

Allele frequency attached by ClinVar (database versions not stated): ExAC 0.00002; gnomAD 0.00002; gnomAD exomes 0.00002 and 0.00003; TOPMed 0.00003.
gnomAD v4.1: 13 of 1,613,240 alleles (0.00081%); highest among the groups gnomAD compares: Admixed American, 0.022%; no homozygotes.

Submissions (3):

Labcorp Genetics (formerly Invitae), Labcorp
Classification: Uncertain significance for Congenital myasthenic syndrome 9; Fetal akinesia deformation sequence 1. Last evaluated: 2022-06-25. Review status: criteria provided, single submitter. Criteria: Invitae Variant Classification Sherloc (09022015). Collection method: clinical testing. Allele origin: germline.
Comment: This sequence change replaces methionine, which is neutral and non-polar, with valine, which is neutral and non-polar, at codon 553 of the MUSK protein (p.Met553Val). This variant is present in population databases (rs753213086, gnomAD 0.02%). This variant has not been reported in the literature in individuals affected with MUSK-related conditions. ClinVar contains an entry for this variant (Variation ID: 1015423). Algorithms developed to predict the effect of missense changes on protein structure and function are either unavailable or do not agree on the potential impact of this missense change (SIFT: "Deleterious"; PolyPhen-2: "Probably Damaging"; Align-GVGD: "Class C15"). In summary, the available evidence is currently insufficient to determine the role of this variant in disease. Therefore, it has been classified as a Variant of Uncertain Significance.

Ambry Genetics
Classification: Uncertain significance for Inborn genetic diseases. Last evaluated: 2021-10-26. Review status: criteria provided, single submitter. Criteria: Ambry Variant Classification Scheme 2023. Collection method: clinical testing. Allele origin: germline.

Revvity Omics, Revvity
Classification: Uncertain significance. Last evaluated: 2019-10-08. Review status: criteria provided, single submitter. Criteria: ACMG Guidelines, 2015. Collection method: clinical testing. Allele origin: germline.

NM_005592.4(MUSK):c.1657A>G (p.Met553Val)

Gene: MUSK (muscle associated receptor tyrosine kinase; plus strand). Cytogenetic location: 9q31.3.
Variant type: single nucleotide variant.
Coding change: c.1657A>G on transcript NM_005592.4 (MANE Select); coding-DNA position 1657, A replaced by G.
Protein change: p.Met553Val; replaces methionine 553 with valine.
Molecular consequence: missense variant.
Genome position (GRCh38, 1-based): chr9:110,785,597, A>G. VCF-style: chr9-110785597-A-G. GRCh37 (hg19) VCF-style: chr9-113547877-A-G.
Other names: c.1399A>G, p.Met467Val (NM_001166280.2); c.1369A>G, p.Met457Val (NM_001166281.2); c.397A>G, p.Met133Val (NM_001369398.1); c.1657A>G (NM_005592.3); short protein forms M133V, M457V, M467V, M553V.
Identifiers: ClinVar variation 1015423 (VCV001015423.7), dbSNP rs753213086, ClinGen allele CA5184420.